The following is an entry in ClinVar:

ClinVar aggregate classification (germline): Pathogenic (1 of 4 stars; one submission).

Conditions:
Odonto-onycho-dermal dysplasia. Identifiers: Orphanet 2721, MedGen C0796093, MONDO:0009773, OMIM 257980.
Tooth agenesis, selective, 4 (STHAG4). Also called: TOOTH AGENESIS, SELECTIVE, 4, WITH OR WITHOUT ECTODERMAL DYSPLASIA; LATERAL INCISORS, ABSENCE OF; LATERAL INCISORS, PEGGED OR MISSING; SUCCEDANEOUS TEETH, AGENESIS OF. Identifiers: Orphanet 99798, MedGen C1835492, MONDO:0007881, OMIM 150400. Disease mechanism: loss of function.

Allele frequency attached by ClinVar (database versions not stated): gnomAD exomes below 0.00001; gnomAD 0.00001; 1000 Genomes Project 30x 0.00016; 1000 Genomes Project 0.00020.
gnomAD v4.1: 4 of 1,614,112 alleles (0.00025%); highest among the groups gnomAD compares: East Asian, 0.0022%; no homozygotes.

Submission:

Labcorp Genetics (formerly Invitae), Labcorp
Classification: Pathogenic for Tooth agenesis, selective, 4; Odonto-onycho-dermal dysplasia. Last evaluated: 2024-06-04. Review status: criteria provided, single submitter. Criteria: Invitae Variant Classification Sherloc (09022015). Collection method: clinical testing. Allele origin: germline.
Comment: This sequence change creates a premature translational stop signal (p.Arg164*) in the WNT10A gene. It is expected to result in an absent or disrupted protein product. Loss-of-function variants in WNT10A are known to be pathogenic (PMID: 17847007, 22581971, 25629078). This variant is not present in population databases (gnomAD no frequency). This variant has not been reported in the literature in individuals affected with WNT10A-related conditions. ClinVar contains an entry for this variant (Variation ID: 1075261). For these reasons, this variant has been classified as Pathogenic.

Literature cited by the submitters: PubMed 17847007; PubMed 22581971; PubMed 25629078.

NM_025216.3(WNT10A):c.490C>T (p.Arg164Ter)

Gene: WNT10A (Wnt family member 10A; plus strand). Cytogenetic location: 2q35.
Variant type: single nucleotide variant.
Coding change: c.490C>T on transcript NM_025216.3 (MANE Select); coding-DNA position 490, C replaced by T.
Protein change: p.Arg164Ter; replaces arginine 164 with a stop codon.
Molecular consequence: nonsense.
Genome position (GRCh38, 1-based): chr2:218,890,097, C>T. VCF-style: chr2-218890097-C-T. GRCh37 (hg19) VCF-style: chr2-219754819-C-T.
Other names: short protein forms R164*.
Identifiers: ClinVar variation 1075261 (VCV001075261.7), dbSNP rs561173643, ClinGen allele CA65916641.